The following is an entry in ClinVar:

ClinVar aggregate classification (germline): Uncertain significance. Review status: criteria provided, multiple submitters, no conflicts (2 of 4 stars). 2 submissions from 2 submitters: Uncertain significance (2). Last evaluated 2025-10-14.

Conditions:
Multiple endocrine neoplasia, type 1 (MEN1). Also called: MEN I; WERMER SYNDROME; Endocrine adenomatosis multiple; MEN 1; MEA I. Identifiers: Orphanet 652, MedGen C0025267, MeSH D018761, MONDO:0007540, OMIM 131100.

Allele frequency attached by ClinVar (database versions not stated): gnomAD exomes below 0.00001.
gnomAD v4.1: 1 of 1,578,886 alleles (0.000063%); highest among the groups gnomAD compares: Non-Finnish European, 0.000086%; no homozygotes.

Submissions (2):

Color Diagnostics, LLC DBA Color Health
Classification: Uncertain significance for Multiple endocrine neoplasia, type 1. Last evaluated: 2025-10-14. Review status: criteria provided, single submitter. Criteria: ACMG Guidelines, 2015. Collection method: clinical testing. Allele origin: germline.
Comment: This missense variant replaces glycine with arginine at codon 2 of the MEN1 protein. Computational prediction suggests that this variant may have deleterious impact on protein structure and function. To our knowledge, functional studies have not been reported for this variant. This variant has not been reported in individuals affected with MEN1-related disorders in the literature. This variant has been identified in 1/1426900 chromosomes in the general population by the Genome Aggregation Database (gnomAD). The available evidence is insufficient to determine the role of this variant in disease conclusively. Therefore, this variant is classified as a Variant of Uncertain Significance.

Labcorp Genetics (formerly Invitae), Labcorp
Classification: Uncertain significance for Multiple endocrine neoplasia, type 1. Last evaluated: 2023-02-14. Review status: criteria provided, single submitter. Criteria: Invitae Variant Classification Sherloc (09022015). Collection method: clinical testing. Allele origin: germline.
Comment: This sequence change replaces glycine, which is neutral and non-polar, with arginine, which is basic and polar, at codon 2 of the MEN1 protein (p.Gly2Arg). This variant is not present in population databases (gnomAD no frequency). This variant has not been reported in the literature in individuals affected with MEN1-related conditions. Advanced modeling of protein sequence and biophysical properties (such as structural, functional, and spatial information, amino acid conservation, physicochemical variation, residue mobility, and thermodynamic stability) performed at Invitae indicates that this missense variant is expected to disrupt MEN1 protein function. In summary, the available evidence is currently insufficient to determine the role of this variant in disease. Therefore, it has been classified as a Variant of Uncertain Significance.

NM_001370259.2(MEN1):c.4G>A (p.Gly2Arg)

Gene: MEN1 (menin 1; minus strand). Cytogenetic location: 11q13.1.
Variant type: single nucleotide variant.
Coding change: c.4G>A on transcript NM_001370259.2 (MANE Select); coding-DNA position 4, G replaced by A.
Protein change: p.Gly2Arg; replaces glycine 2 with arginine.
Molecular consequence: missense variant. On other transcripts: non-coding transcript variant (4).
Genome position (GRCh38, 1-based): chr11:64,810,106, C>T on the plus strand (G>A on the coding strand, the complement: MEN1 is on the minus strand). VCF-style: chr11-64810106-C-T. GRCh37 (hg19) VCF-style: chr11-64577578-C-T.
Other names: c.4G>A, p.Gly2Arg (NM_000244.4, NM_001370251.2, NM_001370260.2 and 20 more transcripts); short protein forms G2R.
Identifiers: ClinVar variation 2837344 (VCV002837344.4), dbSNP rs2136197190, ClinGen allele CA381188338.